The following is an entry in ClinVar:

NM_015662.3(IFT172):c.337A>G (p.Ser113Gly)

Gene: IFT172 (intraflagellar transport 172; minus strand). Cytogenetic location: 2p23.3.
Variant type: single nucleotide variant.
Coding change: c.337A>G on transcript NM_015662.3 (MANE Select); coding-DNA position 337, A replaced by G.
Protein change: p.Ser113Gly; replaces serine 113 with glycine.
Molecular consequence: missense variant.
Genome position (GRCh38, 1-based): chr2:27,483,937, T>C on the plus strand (A>G on the coding strand, the complement: IFT172 is on the minus strand). VCF-style: chr2-27483937-T-C. GRCh37 (hg19) VCF-style: chr2-27706804-T-C.
Other names: c.337A>G, p.Ser113Gly (NM_001410739.1); short protein forms S113G.
Identifiers: ClinVar variation 5002353 (VCV005002353.1).

ClinVar aggregate classification (germline): Uncertain significance (1 of 4 stars; one submission).

Conditions:
IFT172-related disorder. Also called: IFT172-related disorders; IFT172-related condition.

gnomAD v4.1: 1 of 1,613,532 alleles (0.000062%); highest among the groups gnomAD compares: Non-Finnish European, 0.000085%; no homozygotes.

Submission:

PreventionGenetics, part of Exact Sciences
Classification: Uncertain significance for IFT172-related condition. Last evaluated: 2026-06-25. Review status: criteria provided, single submitter. Criteria: ACMG Guidelines, 2015. Collection method: clinical testing. Allele origin: germline.
Comment: The IFT172 c.337A>G variant is predicted to result in the amino acid substitution p.Ser113Gly. To our knowledge, this variant has not been reported in the literature. This variant is reported in 0.0065% of alleles in individuals of European (Non-Finnish) descent in gnomAD. At this time, the clinical significance of this variant is uncertain due to the absence of conclusive functional and genetic evidence.